The following is an entry in ClinVar:

NM_213653.4(HJV):c.697del (p.Gln233fs)

Gene: HJV (hemojuvelin BMP co-receptor; minus strand). Cytogenetic location: 1q21.1.
Variant type: Deletion.
Coding change: c.697del on transcript NM_213653.4 (MANE Select); coding-DNA position 697, one base deleted (C; older notation c.697delC).
Protein change: p.Gln233fs; shifts the reading frame from glutamine 233.
Molecular consequence: frameshift variant.
Genome position (GRCh38, 1-based): chr1:146,018,661, G deleted on the plus strand (C on the coding strand, the reverse complement: HJV is on the minus strand). VCF-style (leftmost placement, unchanged base first): chr1-146018660-TG-T. GRCh37 (hg19) VCF-style: chr1-145416351-TC-T.
Other names: c.697delC (NM_213653.3); c.19del, p.Gln7fs (NM_001316767.2, NM_202004.4, NM_213652.4); c.697del, p.Gln233fs (NM_001379352.1); c.358del, p.Gln120fs (NM_145277.5); short protein forms Q120fs, Q233fs, Q7fs.
Identifiers: ClinVar variation 590920 (VCV000590920.3), dbSNP rs1559279177, ClinGen allele CA891862668.

ClinVar aggregate classification (germline): Pathogenic (0 of 4 stars; one submission).

Conditions:
Hemochromatosis type 2A (HFE2A). Also called: Adult-Onset Hemochromatosis; HJV (HFE2)-Related Juvenile Hemochromatosis. Identifiers: Orphanet 79230, MedGen C1865614, MONDO:0011216, OMIM 602390.

Submission:

Grupo de Pesquisa Clinica e Molecular em Endocrinologia e Metabologia
Classification: Pathogenic for Hemochromatosis type 2A. Last evaluated: 2018-11-09. Review status: no assertion criteria provided. Collection method: research. Allele origin: inherited. Inheritance: Autosomal recessive inheritance. Affected: yes. Observed: 1 homozygote.
Comment: This single nucleotide deletion occurred at codon 233 (exon 4) resulting in a frameshift leading to a premature stop codon at position 245.